The following is an entry in ClinVar:

ClinVar aggregate classification (germline): Uncertain significance (0 of 4 stars; one submission).

Allele frequency attached by ClinVar (database versions not stated): ExAC 0.00001; TOPMed 0.00001; gnomAD exomes 0.00001.

Submission:

Martin Pollak Laboratory,  Beth Israel Deaconess Medical Center
Classification: Uncertain significance. Review status: no assertion criteria provided. Collection method: not provided. Allele origin: unknown.
Comment: Lower and higher UCa2+ groups
ClinVar note: Converted during submission from unknown to Uncertain significance.

NM_001096.3(ACLY):c.1484G>A (p.Arg495His)

Gene: ACLY (ATP citrate lyase; minus strand). Cytogenetic location: 17q21.2.
Variant type: single nucleotide variant.
Coding change: c.1484G>A on transcript NM_001096.3 (MANE Select); coding-DNA position 1484, G replaced by A.
Protein change: p.Arg495His; replaces arginine 495 with histidine.
Molecular consequence: missense variant.
Genome position (GRCh38, 1-based): chr17:41,893,150, C>T on the plus strand (G>A on the coding strand, the complement: ACLY is on the minus strand). VCF-style: chr17-41893150-C-T. GRCh37 (hg19) VCF-style: chr17-40049403-C-T.
Other names: c.1646G>A, p.Arg549His (NM_001303274.1); c.1616G>A, p.Arg539His (NM_001303275.1); c.1454G>A, p.Arg485His (NM_198830.2); short protein forms R495H, R549H, R485H, R539H.
Identifiers: ClinVar variation 64468 (VCV000064468.2), dbSNP rs387907386, ClinGen allele CA216211.